The following is an entry in ClinVar:

NM_001614.5(ACTG1):c.803-6C>T

Gene: ACTG1 (actin gamma 1; minus strand). Cytogenetic location: 17q25.3.
Variant type: single nucleotide variant.
Coding change: c.803-6C>T on transcript NM_001614.5 (MANE Select); 6 bases into the intron before coding-DNA position 803, C replaced by T.
Molecular consequence: intron variant.
Genome position (GRCh38, 1-based): chr17:81,511,114, G>A on the plus strand (C>T on the coding strand, the complement: ACTG1 is on the minus strand). VCF-style: chr17-81511114-G-A. GRCh37 (hg19) VCF-style: chr17-79478140-G-A.
Other names: c.803-6C>T (NM_001199954.3).
Identifiers: ClinVar variation 287889 (VCV000287889.27), dbSNP rs199600452, ClinGen allele CA8835941.

ClinVar aggregate classification (germline): Benign/Likely benign. Review status: criteria provided, multiple submitters, no conflicts (2 of 4 stars). 9 submissions from 8 submitters: Benign (5); Likely benign (4). Last evaluated 2026-01-28.

Conditions:
Autosomal dominant nonsyndromic hearing loss 20. Identifiers: Orphanet 90635, MedGen C1858172, MONDO:0011480, OMIM 604717.
Baraitser-winter syndrome 2. Identifiers: Orphanet 2995, MedGen C3281235, MONDO:0013812, OMIM 614583.

Allele frequency attached by ClinVar (database versions not stated): gnomAD exomes 0.00019 and 0.00047; ExAC 0.00051; 1000 Genomes Project 30x 0.00078; 1000 Genomes Project 0.00080; gnomAD 0.00151 and 0.00164; TOPMed 0.00187; ESP Exome Variant Server 0.00223.
gnomAD v4.1: 527 of 1,613,938 alleles (0.033%); highest among the groups gnomAD compares: African/African-American, 0.5%; 2 homozygotes.

Submissions (9):

Labcorp Genetics (formerly Invitae), Labcorp
Classification: Benign for Baraitser-winter syndrome 2; Autosomal dominant nonsyndromic hearing loss 20. Last evaluated: 2026-01-28. Review status: criteria provided, single submitter. Criteria: Invitae Variant Classification Sherloc (09022015). Collection method: clinical testing. Allele origin: germline.

CeGaT Center for Human Genetics Tuebingen
Classification: Likely benign. Last evaluated: 2025-11-01. Review status: criteria provided, single submitter. Criteria: CeGaT Center For Human Genetics Tuebingen Variant Classification Criteria Version 2. Collection method: clinical testing. Allele origin: germline. Affected: yes. Observed: 1 variant allele.
Comment: ACTG1: BP4, BS1

Blueprint Genetics
Classification: Likely benign. Last evaluated: 2024-10-18. Review status: criteria provided, single submitter. Criteria: ACMG Guidelines, 2015. Collection method: clinical testing. Allele origin: germline.

Genome-Nilou Lab
Classification: Benign for Baraitser-winter syndrome 2. Last evaluated: 2021-12-05. Review status: criteria provided, single submitter. Criteria: ACMG Guidelines, 2015. Collection method: clinical testing. Allele origin: germline. Affected: no.

Genome-Nilou Lab
Classification: Benign for Autosomal dominant nonsyndromic hearing loss 20. Last evaluated: 2021-12-05. Review status: criteria provided, single submitter. Criteria: ACMG Guidelines, 2015. Collection method: clinical testing. Allele origin: germline. Affected: no.

Fulgent Genetics
Classification: Likely benign for Autosomal dominant nonsyndromic hearing loss 20; Baraitser-winter syndrome 2. Last evaluated: 2021-09-30. Review status: criteria provided, single submitter. Criteria: ACMG Guidelines, 2015. Collection method: clinical testing. Allele origin: unknown.

GeneDx
Classification: Benign. Last evaluated: 2018-04-13. Review status: criteria provided, single submitter. Criteria: GeneDx Variant Classification (06012015). Collection method: clinical testing. Allele origin: germline. Affected: yes.
Comment: This variant is considered likely benign or benign based on one or more of the following criteria: it is a conservative change, it occurs at a poorly conserved position in the protein, it is predicted to be benign by multiple in silico algorithms, and/or has population frequency not consistent with disease.

Eurofins Ntd Llc (ga)
Classification: Likely benign. Last evaluated: 2017-07-03. Review status: criteria provided, single submitter. Criteria: EGL Classification Definitions 2015. Collection method: clinical testing. Allele origin: germline. Observed: 2 variant alleles, 2 heterozygotes.

Laboratory for Molecular Medicine, Mass General Brigham Personalized Medicine
Classification: Benign. Last evaluated: 2012-04-30. Review status: criteria provided, single submitter. Criteria: LMM Criteria. Collection method: clinical testing. Allele origin: germline. Observed: 1 variant allele.
Comment: 803-6C>T in Intron 04 of ACTG1: This variant is not expected to have clinical si gnificance because it has been identified in 0.6% (24/3738) of African American chromosomes from a broad population by the NHLBI Exome Sequencing Project (dbSNP rs141006614).